The following is an entry in ClinVar:

NM_001256007.3(PNPLA8):c.363A>G (p.Glu121=)

Gene: PNPLA8 (patatin like domain 8, phospholipase A2; minus strand). Cytogenetic location: 7q31.1.
Variant type: single nucleotide variant.
Coding change: c.363A>G on transcript NM_001256007.3 (MANE Select); coding-DNA position 363, A replaced by G.
Protein change: p.Glu121=; no amino-acid change (glutamic acid 121 retained).
Molecular consequence: synonymous variant.
Genome position (GRCh38, 1-based): chr7:108,515,129, T>C on the plus strand (A>G on the coding strand, the complement: PNPLA8 is on the minus strand). VCF-style: chr7-108515129-T-C. GRCh37 (hg19) VCF-style: chr7-108155573-T-C.
Other names: c.363A>G, p.Glu121= (NM_001256008.3, NM_001256009.3, NM_015723.5); c.63A>G, p.Glu21= (NM_001256010.3, NM_001256011.3).
Identifiers: ClinVar variation 1537829 (VCV001537829.37), dbSNP rs371594681, ClinGen allele CA4439842.

ClinVar aggregate classification (germline): Likely benign. Review status: criteria provided, multiple submitters, no conflicts (2 of 4 stars). 2 submissions from 2 submitters: Likely benign (2). Last evaluated 2026-05-01.

Allele frequency attached by ClinVar (database versions not stated): TOPMed 0.00006; gnomAD exomes 0.00011 and 0.00017; ESP Exome Variant Server 0.00015; ExAC 0.00017; gnomAD 0.00017 and 0.00018.
gnomAD v4.1: 188 of 1,606,006 alleles (0.012%); highest among the groups gnomAD compares: Non-Finnish European, 0.0099%; no homozygotes.

Submissions (2):

CeGaT Center for Human Genetics Tuebingen
Classification: Likely benign. Last evaluated: 2026-05-01. Review status: criteria provided, single submitter. Criteria: CeGaT Center For Human Genetics Tuebingen Variant Classification Criteria Version 2. Collection method: clinical testing. Allele origin: germline. Affected: yes. Observed: 4 variant alleles.
Comment: PNPLA8: BP4

Labcorp Genetics (formerly Invitae), Labcorp
Classification: Likely benign. Last evaluated: 2025-12-01. Review status: criteria provided, single submitter. Criteria: Invitae Variant Classification Sherloc (09022015). Collection method: clinical testing. Allele origin: germline.